The following is an entry in ClinVar:

NM_000059.4(BRCA2):c.6590C>T (p.Thr2197Ile)

Gene: BRCA2 (BRCA2 DNA repair associated; plus strand). Cytogenetic location: 13q13.1.
Variant type: single nucleotide variant.
Coding change: c.6590C>T on transcript NM_000059.4 (MANE Select); coding-DNA position 6590, C replaced by T.
Protein change: p.Thr2197Ile; replaces threonine 2197 with isoleucine.
Molecular consequence: missense variant.
Genome position (GRCh38, 1-based): chr13:32,340,945, C>T. VCF-style: chr13-32340945-C-T. GRCh37 (hg19) VCF-style: chr13-32915082-C-T.
Other names: c.6590C>T, p.Thr2197Ile (NM_001406719.1, NM_001406720.1); short protein forms T2197I.
Identifiers: ClinVar variation 1754359 (VCV001754359.4), dbSNP rs1566234984, ClinGen allele CA387790023.

ClinVar aggregate classification (germline): Conflicting classifications of pathogenicity. Review status: criteria provided, conflicting classifications (1 of 4 stars). 2 submissions from 2 submitters: Uncertain significance (1); Likely benign (1). Last evaluated 2023-03-23.

Conditions:
Hereditary cancer-predisposing syndrome. Also called: Neoplastic Syndromes, Hereditary; Tumor predisposition; Hereditary Cancer Syndrome; Hereditary neoplastic syndrome. Identifiers: Orphanet 140162, MedGen C0027672, MeSH D009386, MONDO:0015356.

Allele frequency attached by ClinVar (database versions not stated): gnomAD exomes below 0.00001.
gnomAD v4.1: 2 of 1,609,760 alleles (0.00012%); highest among the groups gnomAD compares: South Asian, 0.0022%; no homozygotes.

Submissions (2):

University of Washington Department of Laboratory Medicine, University of Washington
Classification: Likely benign for Hereditary cancer-predisposing syndrome. Last evaluated: 2023-03-23. Review status: criteria provided, single submitter. Criteria: Dines et al. (Genet Med. 2020). Collection method: curation. Allele origin: germline.
Comment: Missense variant in a coldspot region where missense variants are very unlikely to be pathogenic (PMID:31911673).

BRCA2 exon 11 coldspot. Reclassification based on statistical prior probability.

Ambry Genetics
Classification: Uncertain significance for Hereditary cancer-predisposing syndrome. Last evaluated: 2022-04-22. Review status: criteria provided, single submitter. Criteria: Ambry Variant Classification Scheme 2023. Collection method: clinical testing. Allele origin: germline.
Comment: The p.T2197I variant (also known as c.6590C>T), located in coding exon 10 of the BRCA2 gene, results from a C to T substitution at nucleotide position 6590. The threonine at codon 2197 is replaced by isoleucine, an amino acid with similar properties. This amino acid position is conserved. In addition, the in silico prediction for this alteration is inconclusive. Since supporting evidence is limited at this time, the clinical significance of this alteration remains unclear.